The following is an entry in ClinVar:

NM_004239.4(TRIP11):c.4164C>T (p.His1388=)

Gene: TRIP11 (thyroid hormone receptor interactor 11; minus strand). Cytogenetic location: 14q32.12.
Variant type: single nucleotide variant.
Coding change: c.4164C>T on transcript NM_004239.4 (MANE Select); coding-DNA position 4164, C replaced by T.
Protein change: p.His1388=; no amino-acid change (histidine 1388 retained).
Molecular consequence: synonymous variant.
Genome position (GRCh38, 1-based): chr14:92,003,812, G>A on the plus strand (C>T on the coding strand, the complement: TRIP11 is on the minus strand). VCF-style: chr14-92003812-G-A. GRCh37 (hg19) VCF-style: chr14-92470156-G-A.
Other names: c.4161C>T, p.His1387= (NM_001321851.1).
Identifiers: ClinVar variation 516241 (VCV000516241.29), dbSNP rs140130380, ClinGen allele CA7313511.

ClinVar aggregate classification (germline): Benign/Likely benign. Review status: criteria provided, multiple submitters, no conflicts (2 of 4 stars). 6 submissions from 6 submitters: Benign (4); Likely benign (2). Last evaluated 2026-05-12.

Conditions:
Connective tissue disorder. Also called: Connective tissue disease. Identifiers: MedGen C0009782, MONDO:0003900.
Achondrogenesis, type IA (ACG1A). Identifiers: Orphanet 932, Orphanet 93299, MedGen C0265273, MONDO:0008701, OMIM 200600.

Allele frequency attached by ClinVar (database versions not stated): gnomAD 0.00643 and 0.00687; 1000 Genomes Project 0.00599; ESP Exome Variant Server 0.00700; TOPMed 0.00748; gnomAD exomes 0.00186 and 0.00064; 1000 Genomes Project 30x 0.00625; ExAC 0.00205.
gnomAD v4.1: 1,962 of 1,614,066 alleles (0.12%); highest among the groups gnomAD compares: African/African-American, 2.3%; 21 homozygotes.

Submissions (6):

Women's Health and Genetics/Laboratory Corporation of America, LabCorp
Classification: Likely benign. Last evaluated: 2026-05-12. Review status: criteria provided, single submitter. Criteria: LabCorp Variant Classification Summary - May 2015. Collection method: clinical testing. Allele origin: germline.

Labcorp Genetics (formerly Invitae), Labcorp
Classification: Benign for Achondrogenesis, type IA. Last evaluated: 2026-02-01. Review status: criteria provided, single submitter. Criteria: Invitae Variant Classification Sherloc (09022015). Collection method: clinical testing. Allele origin: germline.

ARUP Laboratories, Molecular Genetics and Genomics, ARUP Laboratories
Classification: Benign. Last evaluated: 2025-05-23. Review status: criteria provided, single submitter. Criteria: ARUP Molecular Germline Variant Investigation Process 2024. Collection method: clinical testing. Allele origin: germline.

Genome Diagnostics Laboratory, The Hospital for Sick Children
Classification: Likely benign for Connective tissue disorder. Last evaluated: 2019-06-01. Review status: criteria provided, single submitter. Criteria: ACMG Guidelines, 2015. Collection method: clinical testing. Allele origin: germline.

GeneDx
Classification: Benign. Last evaluated: 2019-03-08. Review status: criteria provided, single submitter. Criteria: GeneDx Variant Classification Process June 2021. Collection method: clinical testing. Allele origin: germline. Affected: yes.

Illumina Laboratory Services, Illumina
Classification: Benign for Achondrogenesis, type IA. Last evaluated: 2018-01-13. Review status: criteria provided, single submitter. Criteria: ICSL Variant Classification Criteria 13 December 2019. Collection method: clinical testing. Allele origin: germline.
Comment: This variant was observed in the ICSL laboratory as part of a predisposition screen in an ostensibly healthy population. It had not been previously curated by ICSL or reported in the Human Gene Mutation Database (HGMD: prior to June 1st, 2018), and was therefore a candidate for classification through an automated scoring system. Utilizing variant allele frequency, disease prevalence and penetrance estimates, and inheritance mode, an automated score was calculated to assess if this variant is too frequent to cause the disease. Based on the score and internal cut-off values, a variant classified as benign is not then subjected to further curation. The score for this variant resulted in a classification of benign for this disease.